The following is an entry in ClinVar:

ClinVar aggregate classification (germline): Uncertain significance. Review status: criteria provided, multiple submitters, no conflicts (2 of 4 stars). 2 submissions from 2 submitters: Uncertain significance (2). Last evaluated 2025-09-01.

Conditions:
Hereditary cancer-predisposing syndrome. Also called: Neoplastic Syndromes, Hereditary; Tumor predisposition; Hereditary Cancer Syndrome; Hereditary neoplastic syndrome. Identifiers: Orphanet 140162, MedGen C0027672, MeSH D009386, MONDO:0015356.
Ataxia-telangiectasia-like disorder 1 (ATLD1). Identifiers: Orphanet 251347, MedGen C4012790, MONDO:0024557, OMIM 604391.

Allele frequency attached by ClinVar (database versions not stated): gnomAD exomes below 0.00001; gnomAD 0.00001; TOPMed 0.00001.
gnomAD v4.1: 5 of 1,611,540 alleles (0.00031%); highest among the groups gnomAD compares: Non-Finnish European, 0.00042%; no homozygotes.

Submissions (2):

Ambry Genetics
Classification: Uncertain significance for Hereditary cancer-predisposing syndrome. Last evaluated: 2025-09-01. Review status: criteria provided, single submitter. Criteria: Ambry Variant Classification Scheme 2023. Collection method: clinical testing. Allele origin: germline.
Comment: The p.T226A variant (also known as c.676A>G), located in coding exon 7 of the MRE11A gene, results from an A to G substitution at nucleotide position 676. The threonine at codon 226 is replaced by alanine, an amino acid with similar properties. This amino acid position is highly conserved in available vertebrate species. In addition, the in silico prediction for this alteration is inconclusive. Since supporting evidence is limited at this time, the clinical significance of this alteration remains unclear.

Baylor Genetics
Classification: Uncertain significance for Ataxia-telangiectasia-like disorder 1. Last evaluated: 2024-03-03. Review status: criteria provided, single submitter. Criteria: ACMG Guidelines, 2015. Collection method: clinical testing. Allele origin: unknown.

NM_005591.4(MRE11):c.676A>G (p.Thr226Ala)

Gene: MRE11 (MRE11 double strand break repair nuclease; minus strand). Cytogenetic location: 11q21.
Variant type: single nucleotide variant.
Coding change: c.676A>G on transcript NM_005591.4 (MANE Select); coding-DNA position 676, A replaced by G.
Protein change: p.Thr226Ala; replaces threonine 226 with alanine.
Molecular consequence: missense variant.
Genome position (GRCh38, 1-based): chr11:94,471,743, T>C on the plus strand (A>G on the coding strand, the complement: MRE11 is on the minus strand). VCF-style: chr11-94471743-T-C. GRCh37 (hg19) VCF-style: chr11-94204909-T-C.
Other names: c.676A>G, p.Thr226Ala (NM_001330347.2, NM_005590.4); short protein forms T226A.
Identifiers: ClinVar variation 481756 (VCV000481756.8), dbSNP rs926262407, ClinGen allele CA226531636.